The following is an entry in ClinVar:

NM_182972.3(IRF2BP2):c.455C>T (p.Pro152Leu)

Genes: IRF2BP2 (interferon regulatory factor 2 binding protein 2; minus strand), LOC129932812 (ATAC-STARR-seq lymphoblastoid silent region 1977; plus strand). Cytogenetic location: 1q42.3.
Variant type: single nucleotide variant.
Coding change: c.455C>T on transcript NM_182972.3 (MANE Select); coding-DNA position 455, C replaced by T.
Protein change: p.Pro152Leu; replaces proline 152 with leucine.
Molecular consequence: missense variant.
Genome position (GRCh38, 1-based): chr1:234,609,040, G>A on the plus strand (C>T on the coding strand, the complement: IRF2BP2 is on the minus strand). VCF-style: chr1-234609040-G-A. GRCh37 (hg19) VCF-style: chr1-234744786-G-A.
Other names: c.455C>T, p.Pro152Leu (NM_001077397.1); short protein forms P152L.
Identifiers: ClinVar variation 2076774 (VCV002076774.4), dbSNP rs2528521799, ClinGen allele CA345310283.

ClinVar aggregate classification (germline): Uncertain significance (1 of 4 stars; one submission).

Submission:

Labcorp Genetics (formerly Invitae), Labcorp
Classification: Uncertain significance. Last evaluated: 2022-01-07. Review status: criteria provided, single submitter. Criteria: Invitae Variant Classification Sherloc (09022015). Collection method: clinical testing. Allele origin: germline.
Comment: This sequence change replaces proline, which is neutral and non-polar, with leucine, which is neutral and non-polar, at codon 152 of the IRF2BP2 protein (p.Pro152Leu). This variant is not present in population databases (gnomAD no frequency). This variant has not been reported in the literature in individuals affected with IRF2BP2-related conditions. Algorithms developed to predict the effect of missense changes on protein structure and function are either unavailable or do not agree on the potential impact of this missense change (SIFT: "Deleterious"; PolyPhen-2: "Possibly Damaging"; Align-GVGD: "Class C0"). In summary, the available evidence is currently insufficient to determine the role of this variant in disease. Therefore, it has been classified as a Variant of Uncertain Significance.